The following is an entry in ClinVar:

ClinVar aggregate classification (germline): Benign/Likely benign. Review status: criteria provided, multiple submitters, no conflicts (2 of 4 stars). 5 submissions from 4 submitters: Benign (3); Likely benign (2). Last evaluated 2026-01-06.

Conditions:
Cutis laxa, autosomal dominant 1 (ADCL1). Also called: ELN-Related Cutis Laxa. Identifiers: Orphanet 90348, MedGen C3276539, MONDO:0007411, OMIM 123700. Disease mechanism: Dominant Negative.
Supravalvar aortic stenosis (SVAS). Also called: Supravalvar aortic stenosis, Eisenberg type. Identifiers: Orphanet 3193, MedGen C0003499, MONDO:0008504, OMIM 185500, HP:0004381.

Allele frequency attached by ClinVar (database versions not stated): gnomAD exomes 0.00021; ExAC 0.00026; 1000 Genomes Project 30x 0.00047; 1000 Genomes Project 0.00060; gnomAD 0.00101 and 0.00109; TOPMed 0.00107; ESP Exome Variant Server 0.00123.
gnomAD v4.1: 308 of 1,609,750 alleles (0.019%); highest among the groups gnomAD compares: African/African-American, 0.35%; 4 homozygotes.

Submissions (5):

Labcorp Genetics (formerly Invitae), Labcorp
Classification: Benign for Supravalvar aortic stenosis. Last evaluated: 2026-01-06. Review status: criteria provided, single submitter. Criteria: Invitae Variant Classification Sherloc (09022015). Collection method: clinical testing. Allele origin: germline.

Blueprint Genetics
Classification: Likely benign. Last evaluated: 2023-06-01. Review status: criteria provided, single submitter. Criteria: ACMG Guidelines, 2015. Collection method: clinical testing. Allele origin: germline.

GeneDx
Classification: Likely benign. Last evaluated: 2021-08-04. Review status: criteria provided, single submitter. Criteria: GeneDx Variant Classification Process June 2021. Collection method: clinical testing. Allele origin: germline. Affected: yes.

Illumina Laboratory Services, Illumina
Classification: Benign for Cutis laxa, autosomal dominant 1. Last evaluated: 2018-01-12. Review status: criteria provided, single submitter. Criteria: ICSL Variant Classification Criteria 13 December 2019. Collection method: clinical testing. Allele origin: germline.
Comment: This variant was observed in the ICSL laboratory as part of a predisposition screen in an ostensibly healthy population. It had not been previously curated by ICSL or reported in the Human Gene Mutation Database (HGMD: prior to June 1st, 2018), and was therefore a candidate for classification through an automated scoring system. Utilizing variant allele frequency, disease prevalence and penetrance estimates, and inheritance mode, an automated score was calculated to assess if this variant is too frequent to cause the disease. Based on the score and internal cut-off values, a variant classified as benign is not then subjected to further curation. The score for this variant resulted in a classification of benign for this disease.

Illumina Laboratory Services, Illumina
Classification: Benign for Supravalvar aortic stenosis. Last evaluated: 2018-01-12. Review status: criteria provided, single submitter. Criteria: ICSL Variant Classification Criteria 13 December 2019. Collection method: clinical testing. Allele origin: germline.
Comment: the same text as in the submission from Illumina Laboratory Services, Illumina above.

NM_000501.4(ELN):c.1821G>C (p.Gly607=)

Gene: ELN (elastin; plus strand). Cytogenetic location: 7q11.23.
Variant type: single nucleotide variant.
Coding change: c.1821G>C on transcript NM_000501.4 (MANE Select); coding-DNA position 1821, G replaced by C.
Protein change: p.Gly607=; no amino-acid change (glycine 607 retained).
Molecular consequence: synonymous variant.
Genome position (GRCh38, 1-based): chr7:74,063,187, G>C. VCF-style: chr7-74063187-G-C. GRCh37 (hg19) VCF-style: chr7-73477517-G-C.
Other names: c.1734G>C, p.Gly578= (NM_001081752.3); c.1779G>C, p.Gly593= (NM_001081753.3); c.1836G>C, p.Gly612= (NM_001081754.3); c.1764G>C, p.Gly588= (NM_001081755.3); c.1821G>C, p.Gly607= (NM_001278912.2); c.1578G>C, p.Gly526= (NM_001278913.2); c.1749G>C, p.Gly583= (NM_001278914.2); c.1839G>C, p.Gly613= (NM_001278915.2); and 4 more.
Identifiers: ClinVar variation 360657 (VCV000360657.17), dbSNP rs144835575, ClinGen allele CA4293243.